The following is an entry in ClinVar:

NM_000054.7(AVPR2):c.818C>T (p.Thr273Met)

Gene: AVPR2 (arginine vasopressin receptor 2; plus strand). Cytogenetic location: Xq28.
Variant type: single nucleotide variant.
Coding change: c.818C>T on transcript NM_000054.7 (MANE Select); coding-DNA position 818, C replaced by T.
Protein change: p.Thr273Met; replaces threonine 273 with methionine.
Molecular consequence: missense variant. On other transcripts: non-coding transcript variant (1).
Genome position (GRCh38, 1-based): chrX:153,906,324, C>T. VCF-style: chrX-153906324-C-T. GRCh37 (hg19) VCF-style: chrX-153171778-C-T.
Other names: c.818C>T, p.Thr273Met (NM_001146151.3); short protein forms T273M.
Identifiers: ClinVar variation 3911912 (VCV003911912.1).
Genomic context (GRCh38, chrX:153,906,324, plus strand): 5'-CAGGCAGCCCCGGTGAGGGAGCCCACGTGTCAGCAGCTGTGGCCAAGACTGTGAGGATGA[C>T]GCTAGTGATTGTGGTCGTCTATGTGCTGTGCTGGGCACCCTTCTTCCTGGTGCAGCTGTG-3'
Protein context (NP_000045.1, residues 263-283): SAAVAKTVRM[Thr273Met]LVIVVVYVLC

ClinVar aggregate classification (germline): Likely pathogenic (1 of 4 stars; one submission).

Conditions:
Diabetes insipidus, nephrogenic, X-linked. Also called: Nephrogenic Diabetes Insipidus, Type I. Identifiers: Orphanet 223, MedGen C1563705, MONDO:0010581, OMIM 304800.

Submission:

Clinical Genetics Laboratory, Skane University Hospital Lund
Classification: Likely pathogenic for Diabetes insipidus, nephrogenic, X-linked. Last evaluated: 2025-07-07. Review status: criteria provided, single submitter. Criteria: ACMG Guidelines, 2015. Collection method: clinical testing. Allele origin: germline. Affected: yes.
Comment: ACMG criteria used: PS3 supporting, PS4, PM2, PP3.